The following is an entry in ClinVar:

NM_001256545.2(MEGF10):c.195C>G (p.Asn65Lys)

Gene: MEGF10 (multiple EGF like domains 10; plus strand). Cytogenetic location: 5q23.2.
Variant type: single nucleotide variant.
Coding change: c.195C>G on transcript NM_001256545.2 (MANE Select); coding-DNA position 195, C replaced by G.
Protein change: p.Asn65Lys; replaces asparagine 65 with lysine.
Molecular consequence: missense variant.
Genome position (GRCh38, 1-based): chr5:127,339,198, C>G. VCF-style: chr5-127339198-C-G. GRCh37 (hg19) VCF-style: chr5-126674890-C-G.
Other names: c.195C>G, p.Asn65Lys (NM_001308119.2, NM_001308121.2, NM_032446.3); short protein forms N65K.
Identifiers: ClinVar variation 1716946 (VCV001716946.6), dbSNP rs2479428605, ClinGen allele CA360822165.
Genomic context (GRCh38, chr5:127,339,198, plus strand): 5'-AGAGTCATACCCACATCCCTTTGATCAAATTTACTACACGAGCTGCACTGACATTCTAAA[C>G]TGGTTTAAATGCACGCGGCACAGGTAATAGAAGCTCAGGCATGTTTGTGAGTTTGGCTAA-3'
Protein context (NP_001243474.1, residues 55-75): IYYTSCTDIL[Asn65Lys]WFKCTRHRVS

ClinVar aggregate classification (germline): Uncertain significance (1 of 4 stars; one submission).

Conditions:
MEGF10-related myopathy (CMYO10A). Also called: Congenital myopathy 10A, severe variant. Identifiers: Orphanet 439212, MedGen C3280679, MONDO:0013731, OMIM 614399.

Submission:

Labcorp Genetics (formerly Invitae), Labcorp
Classification: Uncertain significance for MEGF10-related myopathy. Last evaluated: 2022-08-19. Review status: criteria provided, single submitter. Criteria: Invitae Variant Classification Sherloc (09022015). Collection method: clinical testing. Allele origin: germline.
Comment: This sequence change replaces asparagine, which is neutral and polar, with lysine, which is basic and polar, at codon 65 of the MEGF10 protein (p.Asn65Lys). This variant is not present in population databases (gnomAD no frequency). This variant has not been reported in the literature in individuals affected with MEGF10-related conditions. Algorithms developed to predict the effect of missense changes on protein structure and function are either unavailable or do not agree on the potential impact of this missense change (SIFT: "Deleterious"; PolyPhen-2: "Benign"; Align-GVGD: "Class C0"). In summary, the available evidence is currently insufficient to determine the role of this variant in disease. Therefore, it has been classified as a Variant of Uncertain Significance.